The following is an entry in ClinVar:

ClinVar aggregate classification (germline): Uncertain significance (1 of 4 stars; one submission).

gnomAD v4.1: 2 of 1,612,796 alleles (0.00012%); highest among the groups gnomAD compares: Non-Finnish European, 0.00017%; no homozygotes.

Submission:

GeneDx
Classification: Uncertain significance. Last evaluated: 2024-12-14. Review status: criteria provided, single submitter. Criteria: GeneDx Variant Classification Process June 2021. Collection method: clinical testing. Allele origin: germline. Affected: yes.
Comment: Not observed at significant frequency in large population cohorts (gnomAD); In silico analysis supports that this missense variant has a deleterious effect on protein structure/function; Has not been previously published as pathogenic or benign to our knowledge

NM_001393769.1(MED12L):c.319G>A (p.Ala107Thr)

Gene: MED12L (mediator complex subunit 12L; plus strand). Cytogenetic location: 3q25.1.
Variant type: single nucleotide variant.
Coding change: c.319G>A on transcript NM_001393769.1 (MANE Select); coding-DNA position 319, G replaced by A.
Protein change: p.Ala107Thr; replaces alanine 107 with threonine.
Molecular consequence: missense variant.
Genome position (GRCh38, 1-based): chr3:151,122,897, G>A. VCF-style: chr3-151122897-G-A. GRCh37 (hg19) VCF-style: chr3-150840684-G-A.
Other names: c.319G>A, p.Ala107Thr (NM_053002.6); short protein forms A107T.
Identifiers: ClinVar variation 3903129 (VCV003903129.1).